The following is an entry in ClinVar:

NM_000860.6(HPGD):c.218-20del

Gene: HPGD (15-hydroxyprostaglandin dehydrogenase; minus strand). Cytogenetic location: 4q34.1.
Variant type: Deletion.
Coding change: c.218-20del on transcript NM_000860.6 (MANE Select); 20 bases into the intron before coding-DNA position 218, one base deleted (A; older notation c.218-20delA).
Molecular consequence: intron variant.
Genome position (GRCh38, 1-based): chr4:174,518,097, T deleted on the plus strand (A on the coding strand, the reverse complement: HPGD is on the minus strand); the first of 2 consecutive T bases (chr4:174,518,097-174,518,098); deleting either gives the same sequence. VCF-style (leftmost placement, unchanged base first): chr4-174518096-AT-A. GRCh37 (hg19) VCF-style: chr4-175439247-AT-A.
Other names: c.217+3847del (NM_001256306.2); c.-40+3847del (NM_001256307.2); c.218-20del (NM_001256305.2, NM_001145816.3, NM_001363574.2); c.-146-20del (NM_001256301.1).
Identifiers: ClinVar variation 1952655 (VCV001952655.2), dbSNP rs1229974236, ClinGen allele CA556657859.
Genomic context (GRCh38, chr4:174,518,096, plus strand): 5'-TGTCCAGTCTTCCAAAGTGGTCTACAACTTTTCTAAAAGTGTCTAATTATAAAACAAGAT[AT>A]TAGTGATACATTCTTATTTTCCATGTATACATTTAAATCATGTCCTATGCCATGAGAGGA-3'

ClinVar aggregate classification (germline): Uncertain significance (1 of 4 stars; one submission).

Submission:

Labcorp Genetics (formerly Invitae), Labcorp
Classification: Uncertain significance. Last evaluated: 2022-05-28. Review status: criteria provided, single submitter. Criteria: Invitae Variant Classification Sherloc (09022015). Collection method: clinical testing. Allele origin: germline.
Comment: This sequence change falls in intron 2 of the HPGD gene. It does not directly change the encoded amino acid sequence of the HPGD protein. This variant is present in population databases (no rsID available, gnomAD 0.003%). This variant has not been reported in the literature in individuals affected with HPGD-related conditions. Algorithms developed to predict the effect of sequence changes on RNA splicing suggest that this variant may disrupt the consensus splice site. In summary, the available evidence is currently insufficient to determine the role of this variant in disease. Therefore, it has been classified as a Variant of Uncertain Significance.